The following is an entry in ClinVar:

ClinVar aggregate classification (germline): Pathogenic (1 of 4 stars; one submission).

Conditions:
Hepatic veno-occlusive disease-immunodeficiency syndrome. Also called: Hepatic Veno-Occlusive Disease with Immunodeficiency. Identifiers: Orphanet 79124, MedGen C1856128, MONDO:0009338, OMIM 235550. Disease mechanism: loss of function.

Submission:

Labcorp Genetics (formerly Invitae), Labcorp
Classification: Pathogenic for Hepatic veno-occlusive disease-immunodeficiency syndrome. Last evaluated: 2025-06-19. Review status: criteria provided, single submitter. Criteria: Invitae Variant Classification Sherloc (09022015). Collection method: clinical testing. Allele origin: germline.
Comment: This sequence change creates a premature translational stop signal (p.Ser454*) in the SP110 gene. It is expected to result in an absent or disrupted protein product. Loss-of-function variants in SP110 are known to be pathogenic (PMID: 16648851, 22621957). This variant is not present in population databases (gnomAD no frequency). This variant has not been reported in the literature in individuals affected with SP110-related conditions. For these reasons, this variant has been classified as Pathogenic.

Literature cited by the submitters: PubMed 16648851; PubMed 22621957.

NM_080424.4(SP110):c.1359_1360del (p.Lys453_Ser454insTer)

Gene: SP110 (SP110 nuclear body protein; minus strand). Cytogenetic location: 2q37.1.
Variant type: Deletion.
Coding change: c.1359_1360del on transcript NM_080424.4 (MANE Select); coding-DNA positions 1359 to 1360, 2 bases deleted (AA; older notation c.1359_1360delAA).
Protein change: p.Lys453_Ser454insTer.
Molecular consequence: frameshift variant.
Genome position (GRCh38, 1-based): chr2:230,178,244-230,178,245, TT deleted on the plus strand (AA on the coding strand, the reverse complement: SP110 is on the minus strand); deleting any 2 consecutive bases within chr2:230,178,244-230,178,247 gives the same sequence; the c. name uses the placement nearest the transcript's 3' end. VCF-style (leftmost placement, unchanged base first): chr2-230178243-CTT-C. GRCh37 (hg19) VCF-style: chr2-231042959-CTT-C.
Other names: c.1377_1378del, p.Lys459_Ser460insTer (NM_001185015.2, NM_001378442.1, NM_001378444.1 and 2 more transcripts); c.1359_1360del, p.Lys453_Ser454insTer (NM_001378443.1, NM_004509.5, NM_004510.4); c.1209_1210del, p.Lys403_Ser404insTer (NM_001378447.1).
Identifiers: ClinVar variation 4721716 (VCV004721716.1).
Genomic context (GRCh38, chr2:230,178,243, plus strand): 5'-ATCCCTTTCGCCTCACCACAGGTCACGGGGAGCTTAGAACAGTGAAAATCCACAGTGTCA[CTT>C]TTGGGTTTTCCTTAAAGTAGAAGAGAACAGTTTTGTGTTATTCAGTCTTCACTCCATCTT-3'